The following is an entry in ClinVar:

ClinVar aggregate classification (germline): Pathogenic (1 of 4 stars; one submission).

Submission:

Labcorp Genetics (formerly Invitae), Labcorp
Classification: Pathogenic. Last evaluated: 2021-06-27. Review status: criteria provided, single submitter. Criteria: Invitae Variant Classification Sherloc (09022015). Collection method: clinical testing. Allele origin: germline.
Comment: This variant is an out-of-frame deletion of the genomic region encompassing exon(s) 36-41 of the EYS gene. This is expected to create a premature translational stop signal and result in an absent or disrupted protein product. This variant has not been reported in the literature in individuals with EYS-related conditions. Loss-of-function variants in EYS are known to be pathogenic (PMID: 18836446, 20333770). For these reasons, this variant has been classified as Pathogenic.

Literature cited by the submitters: PubMed 18836446; PubMed 20333770.

NC_000006.11:g.(?_64451796)_(64574261_?)del

Gene: EYS (eyes shut homolog; minus strand). Cytogenetic location: 6q12.
Variant type: Deletion.
Identifiers: ClinVar variation 2423872 (VCV002423872.3).